The following is an entry in ClinVar:

ClinVar aggregate classification (germline): Uncertain significance (1 of 4 stars; one submission).

gnomAD v4.1: 4 of 1,614,218 alleles (0.00025%); highest among the groups gnomAD compares: Non-Finnish European, 0.00034%; no homozygotes.

Submission:

Ambry Genetics
Classification: Uncertain significance. Last evaluated: 2024-12-04. Review status: criteria provided, single submitter. Criteria: Ambry Variant Classification Scheme 2023. Collection method: clinical testing. Allele origin: germline.
Comment: The p.V1056A variant (also known as c.3167T>C), located in coding exon 12 of the CDK12 gene, results from a T to C substitution at nucleotide position 3167. The valine at codon 1056 is replaced by alanine, an amino acid with similar properties. This amino acid position is conserved. In addition, this alteration is predicted to be tolerated by in silico analysis. Based on the available evidence, the clinical significance of this variant remains unclear.

NM_016507.4(CDK12):c.3167T>C (p.Val1056Ala)

Gene: CDK12 (cyclin dependent kinase 12; plus strand). Cytogenetic location: 17q12.
Variant type: single nucleotide variant.
Coding change: c.3167T>C on transcript NM_016507.4 (MANE Select); coding-DNA position 3167, T replaced by C.
Protein change: p.Val1056Ala; replaces valine 1056 with alanine.
Molecular consequence: missense variant.
Genome position (GRCh38, 1-based): chr17:39,524,745, T>C. VCF-style: chr17-39524745-T-C. GRCh37 (hg19) VCF-style: chr17-37680998-T-C.
Other names: c.3167T>C, p.Val1056Ala (NM_015083.4); short protein forms V1056A.
Identifiers: ClinVar variation 3489355 (VCV003489355.1).